The following is an entry in ClinVar:

NM_000059.4(BRCA2):c.175C>A (p.Pro59Thr)

Gene: BRCA2 (BRCA2 DNA repair associated; plus strand). Cytogenetic location: 13q13.1.
Variant type: single nucleotide variant.
Coding change: c.175C>A on transcript NM_000059.4 (MANE Select); coding-DNA position 175, C replaced by A.
Protein change: p.Pro59Thr; replaces proline 59 with threonine.
Molecular consequence: missense variant.
Genome position (GRCh38, 1-based): chr13:32,319,184, C>A. VCF-style: chr13-32319184-C-A. GRCh37 (hg19) VCF-style: chr13-32893321-C-A.
Other names: short protein forms P59T.
Identifiers: ClinVar variation 141003 (VCV000141003.3), dbSNP rs56091799, ClinGen allele CA013103.

ClinVar aggregate classification (germline): Uncertain significance (1 of 4 stars; one submission).

Conditions:
Hereditary cancer-predisposing syndrome. Also called: Neoplastic Syndromes, Hereditary; Tumor predisposition; Hereditary Cancer Syndrome; Hereditary neoplastic syndrome. Identifiers: Orphanet 140162, MedGen C0027672, MeSH D009386, MONDO:0015356.

gnomAD v4.1: 1 of 1,614,038 alleles (0.000062%); highest among the groups gnomAD compares: East Asian, 0.0022%; no homozygotes.

Submission:

Ambry Genetics
Classification: Uncertain significance for Hereditary cancer-predisposing syndrome. Last evaluated: 2013-12-30. Review status: criteria provided, single submitter. Criteria: Ambry Autosomal Dominant and X-Linked criteria (10/2015). Collection method: clinical testing. Allele origin: germline. Observed: 1 variant allele.
Comment: The p.P59T variant (also known as c.175C>A or 403C>A), located in coding exon 2 of the BRCA2 gene, results from a C to A substitution at nucleotide position 175. The proline at codon 59 is replaced by threonine, an amino acid with highly similar properties. This variant was not reported in population based cohorts in the following databases: Database of Single Nucleotide Polymorphisms (dbSNP), NHLBI Exome Sequencing Project (ESP), and 1000 Genomes Project. In addition, this alteration is predicted to be tolerated by in silico analysis.Since supporting evidence is limited at this time, the clinical significance ofp.P59Tremains unclear.